The following is an entry in ClinVar:

ClinVar aggregate classification (germline): Benign/Likely benign. Review status: criteria provided, multiple submitters, no conflicts (2 of 4 stars). 3 submissions from 3 submitters: Benign (1); Likely benign (1). 1 of the submissions does not count toward it. Last evaluated 2026-09-01.

Conditions:
LRRC56-related disorder. Also called: LRRC56-related condition.

Allele frequency attached by ClinVar (database versions not stated): 1000 Genomes Project 0.00260; 1000 Genomes Project 30x 0.00312; ESP Exome Variant Server 0.00408; TOPMed 0.00462; ExAC 0.00508; gnomAD 0.00512; gnomAD exomes 0.00665.

Submissions (3):

CeGaT Center for Human Genetics Tuebingen
Classification: Likely benign. Last evaluated: 2026-09-01. Review status: criteria provided, single submitter. Criteria: CeGaT Center For Human Genetics Tuebingen Variant Classification Criteria Version 2. Collection method: clinical testing. Allele origin: germline. Affected: yes. Observed: 4 variant alleles.
Comment: LRRC56: BP4, BS2

Labcorp Genetics (formerly Invitae), Labcorp
Classification: Benign. Last evaluated: 2026-01-27. Review status: criteria provided, single submitter. Criteria: Invitae Variant Classification Sherloc (09022015). Collection method: clinical testing. Allele origin: germline.

PreventionGenetics, part of Exact Sciences
Classification: Likely benign for LRRC56-related condition. Last evaluated: 2019-11-13. Review status: no assertion criteria provided. Collection method: clinical testing. Allele origin: germline. Not counted in ClinVar's aggregate classification.
Comment: This variant is classified as likely benign based on ACMG/AMP sequence variant interpretation guidelines (Richards et al. 2015 PMID: 25741868, with internal and published modifications).

NM_198075.4(LRRC56):c.854C>T (p.Thr285Met)

Gene: LRRC56 (leucine rich repeat containing 56; plus strand). Cytogenetic location: 11p15.5.
Variant type: single nucleotide variant.
Coding change: c.854C>T on transcript NM_198075.4 (MANE Select); coding-DNA position 854, C replaced by T.
Protein change: p.Thr285Met; replaces threonine 285 with methionine.
Molecular consequence: missense variant.
Genome position (GRCh38, 1-based): chr11:551,708, C>T. VCF-style: chr11-551708-C-T. GRCh37 (hg19) VCF-style: chr11-551708-C-T.
Other names: c.854C>T (NM_198075.3); short protein forms T285M.
Identifiers: ClinVar variation 2045521 (VCV002045521.12), dbSNP rs113929032, ClinGen allele CA5779853.